The following is an entry in ClinVar:

ClinVar aggregate classification (germline): Pathogenic (1 of 4 stars; one submission).

Conditions:
Familial cancer of breast. Also called: BREAST CANCER, FAMILIAL; hereditary breast carcinoma; Hereditary breast cancer. Identifiers: Orphanet 227535, MedGen C0346153, MONDO:0016419, OMIM 114480. Disease mechanism: loss of function.
Fanconi anemia complementation group J. Also called: BRIP1-Related Fanconi Anemia. Identifiers: Orphanet 84, MedGen C1836860, MONDO:0012187, OMIM 609054.

Submission:

Labcorp Genetics (formerly Invitae), Labcorp
Classification: Pathogenic for Familial cancer of breast; Fanconi anemia complementation group J. Last evaluated: 2022-10-03. Review status: criteria provided, single submitter. Criteria: Invitae Variant Classification Sherloc (09022015). Collection method: clinical testing. Allele origin: germline.
Comment: This variant is a gross deletion of the genomic region encompassing exon(s) 20 of the BRIP1 gene, which includes the termination codon. This deletion extends beyond the assayed region for this gene and therefore may encompass additional genes. While this deletion is not anticipated to lead to nonsense mediated decay, it is expected to alter mRNA translation or result in a truncated protein product. This variant has not been reported in the literature in individuals affected with BRIP1-related conditions. This variant disrupts the TopBP1-binding region of the BRIP1 protein, which plays a critical role in RPA chromatin loading and the activation of the replication checkpoint in response to DNA damage (PMID: 20159562, 21127055). While functional studies have not been performed to directly test the effect of this variant on BRIP1 protein function, this suggests that disruption of this region of the protein is causative of disease. For these reasons, this variant has been classified as Pathogenic.

Literature cited by the submitters: PubMed 20159562; PubMed 21127055.

NC_000017.10:g.(?_59760657)_(59761511_?)del

Gene: BRIP1 (BRCA1 interacting DNA helicase 1; minus strand). Cytogenetic location: 17q23.2.
Variant type: Deletion.
Identifiers: ClinVar variation 2427001 (VCV002427001.3).